The following is an entry in ClinVar:

NM_000257.4(MYH7):c.4070T>G (p.Leu1357Arg)

Gene: MYH7 (myosin heavy chain 7; minus strand). Cytogenetic location: 14q11.2.
Variant type: single nucleotide variant.
Coding change: c.4070T>G on transcript NM_000257.4 (MANE Select); coding-DNA position 4070, T replaced by G.
Protein change: p.Leu1357Arg; replaces leucine 1357 with arginine.
Molecular consequence: missense variant.
Genome position (GRCh38, 1-based): chr14:23,418,309, A>C on the plus strand (T>G on the coding strand, the complement: MYH7 is on the minus strand). VCF-style: chr14-23418309-A-C. GRCh37 (hg19) VCF-style: chr14-23887518-A-C.
Other names: c.4070T>G, p.Leu1357Arg (NM_001407004.1); short protein forms L1357R.
Identifiers: ClinVar variation 2563057 (VCV002563057.2), dbSNP rs730880788, ClinGen allele CA389041031.
Genomic context (GRCh38, chr14:23,418,309, plus strand): 5'-GTCTCATACTTGGTCCTCCACTGGGCCACCTCCGAGTTGGCCTTGGAAAGGACGCGCTGC[A>C]GCTCGGCCTTGGCCTCCGTCTCCTCCTCGTACTGCTCCCGCAGCAGGTCGCAGTCATGCC-3'
Protein context (NP_000248.2, residues 1347-1367): YEEETEAKAE[Leu1357Arg]QRVLSKANSE

ClinVar aggregate classification (germline): Uncertain significance (1 of 4 stars; one submission).

Conditions:
Cardiovascular phenotype. Identifiers: MedGen CN230736.

Allele frequency attached by ClinVar (database versions not stated): gnomAD exomes below 0.00001.
gnomAD v4.1: 1 of 1,613,700 alleles (0.000062%); highest among the groups gnomAD compares: Non-Finnish European, 0.000085%; no homozygotes.

Submission:

Ambry Genetics
Classification: Uncertain significance for Cardiovascular phenotype. Last evaluated: 2023-05-11. Review status: criteria provided, single submitter. Criteria: Ambry Variant Classification Scheme 2023. Collection method: clinical testing. Allele origin: germline.
Comment: The p.L1357R variant (also known as c.4070T>G), located in coding exon 28 of the MYH7 gene, results from a T to G substitution at nucleotide position 4070. The leucine at codon 1357 is replaced by arginine, an amino acid with dissimilar properties. This amino acid position is highly conserved in available vertebrate species. In addition, this alteration is predicted to be deleterious by in silico analysis. Since supporting evidence is limited at this time, the clinical significance of this alteration remains unclear.